The following is an entry in ClinVar:

NM_004415.4(DSP):c.391A>G (p.Met131Val)

Gene: DSP (desmoplakin; plus strand). Cytogenetic location: 6p24.3.
Variant type: single nucleotide variant.
Coding change: c.391A>G on transcript NM_004415.4 (MANE Select); coding-DNA position 391, A replaced by G.
Protein change: p.Met131Val; replaces methionine 131 with valine.
Molecular consequence: missense variant.
Genome position (GRCh38, 1-based): chr6:7,558,233, A>G. VCF-style: chr6-7558233-A-G. GRCh37 (hg19) VCF-style: chr6-7558466-A-G.
Other names: c.391A>G, p.Met131Val (NM_001008844.3, NM_001319034.2, NM_001406591.1); short protein forms M131V.
Identifiers: ClinVar variation 3224228 (VCV003224228.1), dbSNP rs2533849614, ClinGen allele CA362671359.

ClinVar aggregate classification (germline): Uncertain significance (1 of 4 stars; one submission).

Conditions:
Cardiovascular phenotype. Identifiers: MedGen CN230736.

Allele frequency attached by ClinVar (database versions not stated): gnomAD exomes below 0.00001.

Submission:

Ambry Genetics
Classification: Uncertain significance for Cardiovascular phenotype. Last evaluated: 2024-01-29. Review status: criteria provided, single submitter. Criteria: Ambry Variant Classification Scheme 2023. Collection method: clinical testing. Allele origin: germline.
Comment: The p.M131V variant (also known as c.391A>G), located in coding exon 3 of the DSP gene, results from an A to G substitution at nucleotide position 391. The methionine at codon 131 is replaced by valine, an amino acid with highly similar properties. This amino acid position is conserved. In addition, the in silico prediction for this alteration is inconclusive. Based on the available evidence, the clinical significance of this alteration remains unclear.